The following is an entry in ClinVar:

NM_001283009.2(RTEL1):c.2414-14G>A

Genes: RTEL1 (regulator of telomere elongation helicase 1; plus strand), RTEL1-TNFRSF6B (RTEL1-TNFRSF6B readthrough (NMD candidate); plus strand). Cytogenetic location: 20q13.33.
Variant type: single nucleotide variant.
Coding change: c.2414-14G>A on transcript NM_001283009.2 (MANE Select); 14 bases into the intron before coding-DNA position 2414, G replaced by A.
Molecular consequence: intron variant.
Genome position (GRCh38, 1-based): chr20:63,690,791, G>A. VCF-style: chr20-63690791-G-A. GRCh37 (hg19) VCF-style: chr20-62322144-G-A.
Other names: c.1745-14G>A (NM_001283010.1); c.2486-14G>A (NM_032957.5); c.2414-14G>A (NM_016434.4).
Identifiers: ClinVar variation 1506720 (VCV001506720.7), dbSNP rs770111225, ClinGen allele CA9965353.

ClinVar aggregate classification (germline): Uncertain significance. Review status: criteria provided, multiple submitters, no conflicts (2 of 4 stars). 3 submissions from 3 submitters: Uncertain significance (3). Last evaluated 2025-07-27.

Conditions:
Pulmonary fibrosis and/or bone marrow failure, Telomere-related, 3. Also called: PULMONARY FIBROSIS AND/OR BONE MARROW FAILURE SYNDROME, TELOMERE-RELATED, 3. Identifiers: Orphanet 2032, MedGen C4225346, MONDO:0014613, OMIM 616373.
Dyskeratosis congenita, autosomal recessive 5 (DKCB5). Identifiers: MedGen C3554656, MONDO:0014076, OMIM 615190.

Allele frequency attached by ClinVar (database versions not stated): gnomAD 0.00002 and 0.00003; TOPMed 0.00003; gnomAD exomes 0.00004 and 0.00009; ExAC 0.00013.
gnomAD v4.1: 133 of 1,595,930 alleles (0.0083%); highest among the groups gnomAD compares: Non-Finnish European, 0.011%; no homozygotes.

Submissions (3):

Labcorp Genetics (formerly Invitae), Labcorp
Classification: Uncertain significance for Dyskeratosis congenita, autosomal recessive 5; Pulmonary fibrosis and/or bone marrow failure, Telomere-related, 3. Last evaluated: 2025-07-27. Review status: criteria provided, single submitter. Criteria: Invitae Variant Classification Sherloc (09022015). Collection method: clinical testing. Allele origin: germline.
Comment: This sequence change falls in intron 26 of the RTEL1 gene. It does not directly change the encoded amino acid sequence of the RTEL1 protein. This variant is present in population databases (rs770111225, gnomAD 0.009%). This variant has not been reported in the literature in individuals affected with RTEL1-related conditions. ClinVar contains an entry for this variant (Variation ID: 1506720). Algorithms developed to predict the effect of sequence changes on RNA splicing suggest that this variant may disrupt the consensus splice site. In summary, the available evidence is currently insufficient to determine the role of this variant in disease. Therefore, it has been classified as a Variant of Uncertain Significance.

Blueprint Genetics
Classification: Uncertain significance. Last evaluated: 2024-08-23. Review status: criteria provided, single submitter. Criteria: ACMG Guidelines, 2015. Collection method: clinical testing. Allele origin: germline.

Fulgent Genetics
Classification: Uncertain significance for Dyskeratosis congenita, autosomal recessive 5; Pulmonary fibrosis and/or bone marrow failure, Telomere-related, 3. Last evaluated: 2022-05-12. Review status: criteria provided, single submitter. Criteria: ACMG Guidelines, 2015. Collection method: clinical testing. Allele origin: unknown.